The following is an entry in ClinVar:

ClinVar aggregate classification (germline): Uncertain significance (1 of 4 stars; one submission).

Conditions:
Aicardi-Goutieres syndrome 4. Identifiers: Orphanet 51, MedGen C1835912, MONDO:0012472, OMIM 610333.

Submission:

Labcorp Genetics (formerly Invitae), Labcorp
Classification: Uncertain significance for Aicardi-Goutieres syndrome 4. Last evaluated: 2019-07-31. Review status: criteria provided, single submitter. Criteria: Invitae Variant Classification Sherloc (09022015). Collection method: clinical testing. Allele origin: germline.
Comment: This sequence change replaces arginine with histidine at codon 15 of the RNASEH2A protein (p.Arg15His). The arginine residue is moderately conserved and there is a small physicochemical difference between arginine and histidine. In summary, the available evidence is currently insufficient to determine the role of this variant in disease. Therefore, it has been classified as a Variant of Uncertain Significance. Algorithms developed to predict the effect of missense changes on protein structure and function are either unavailable or do not agree on the potential impact of this missense change (SIFT: "Tolerated"; PolyPhen-2: "Possibly Damaging"; Align-GVGD: "Class C0"). This variant has not been reported in the literature in individuals with RNASEH2A-related conditions. This variant is not present in population databases (ExAC no frequency).

NM_006397.3(RNASEH2A):c.44G>A (p.Arg15His)

Genes: RNASEH2A (ribonuclease H2 subunit A; plus strand), LOC117038795 (CRISPRi-FlowFISH-validated PRDX2 regulatory element 4; plus strand). Cytogenetic location: 19p13.13.
Variant type: single nucleotide variant.
Coding change: c.44G>A on transcript NM_006397.3 (MANE Select); coding-DNA position 44, G replaced by A.
Protein change: p.Arg15His; replaces arginine 15 with histidine.
Molecular consequence: missense variant.
Genome position (GRCh38, 1-based): chr19:12,806,717, G>A. VCF-style: chr19-12806717-G-A. GRCh37 (hg19) VCF-style: chr19-12917531-G-A.
Other names: short protein forms R15H.
Identifiers: ClinVar variation 962531 (VCV000962531.9), dbSNP rs1968995083, ClinGen allele CA404263199.